The following is an entry in ClinVar:

NM_002860.4(ALDH18A1):c.1870C>T (p.Leu624=)

Gene: ALDH18A1 (aldehyde dehydrogenase 18 family member A1; minus strand). Cytogenetic location: 10q24.1.
Variant type: single nucleotide variant.
Coding change: c.1870C>T on transcript NM_002860.4 (MANE Select); coding-DNA position 1870, C replaced by T.
Protein change: p.Leu624=; no amino-acid change (leucine 624 retained).
Molecular consequence: synonymous variant.
Genome position (GRCh38, 1-based): chr10:95,613,795, G>A on the plus strand (C>T on the coding strand, the complement: ALDH18A1 is on the minus strand). VCF-style: chr10-95613795-G-A. GRCh37 (hg19) VCF-style: chr10-97373552-G-A.
Other names: c.1864C>T, p.Leu622= (NM_001017423.2, NM_001323415.2); c.1537C>T, p.Leu513= (NM_001323412.2, NM_001323416.2); c.1870C>T, p.Leu624= (NM_001323413.2, NM_001323414.2); c.1765C>T, p.Leu589= (NM_001323417.2); c.1531C>T, p.Leu511= (NM_001323418.2); c.1234C>T, p.Leu412= (NM_001323419.2).
Identifiers: ClinVar variation 3344206 (VCV003344206.1).
Genomic context (GRCh38, chr10:95,613,795, plus strand): 5'-CTCTTACCTGTTCCACTCTCAGCATATCAATGATCTGGTCAAATAATGGTGTCCTGAGCA[G>A]ATCCCGGTGGATTAACAAAGTCTCCAAAGCATTACAGGCAGCTGGATATTCACATTTAGA-3'
Protein context (NP_002851.2, residues 614-634): ALETLLIHRD[Leu624=]LRTPLFDQII

ClinVar aggregate classification (germline): Likely benign (0 of 4 stars; one submission).

Conditions:
ALDH18A1-related disorder. Also called: ALDH18A1-related disorders.

Submission:

PreventionGenetics, part of Exact Sciences
Classification: Likely benign for ALDH18A1-related condition. Last evaluated: 2024-07-15. Review status: no assertion criteria provided. Collection method: clinical testing. Allele origin: germline.
Comment: This variant is classified as likely benign based on ACMG/AMP sequence variant interpretation guidelines (Richards et al. 2015 PMID: 25741868, with internal and published modifications).